The following is an entry in ClinVar:

ClinVar aggregate classification (germline): Likely benign (0 of 4 stars; one submission).

Conditions:
NRP1-related disorder. Also called: NRP1-related condition.

Allele frequency attached by ClinVar (database versions not stated): gnomAD exomes 0.00002; ExAC 0.00006; gnomAD 0.00018; TOPMed 0.00022; 1000 Genomes Project 0.00080; 1000 Genomes Project 30x 0.00094.
gnomAD v4.1: 61 of 1,595,038 alleles (0.0038%); highest among the groups gnomAD compares: African/African-American, 0.075%; no homozygotes.

Submission:

PreventionGenetics, part of Exact Sciences
Classification: Likely benign for NRP1-related condition. Last evaluated: 2022-03-18. Review status: no assertion criteria provided. Collection method: clinical testing. Allele origin: germline.
Comment: This variant is classified as likely benign based on ACMG/AMP sequence variant interpretation guidelines (Richards et al. 2015 PMID: 25741868, with internal and published modifications).

NM_003873.7(NRP1):c.74-4G>C

Gene: NRP1 (neuropilin 1; minus strand). Cytogenetic location: 10p11.22.
Variant type: single nucleotide variant.
Coding change: c.74-4G>C on transcript NM_003873.7 (MANE Select); 4 bases into the intron before coding-DNA position 74, G replaced by C.
Molecular consequence: intron variant.
Genome position (GRCh38, 1-based): chr10:33,330,886, C>G on the plus strand (G>C on the coding strand, the complement: NRP1 is on the minus strand). VCF-style: chr10-33330886-C-G. GRCh37 (hg19) VCF-style: chr10-33619814-C-G.
Other names: c.74-4G>C (NM_001244973.2, NM_001244972.2, NM_001330068.2 and 2 more transcripts).
Identifiers: ClinVar variation 3036691 (VCV003036691.2), dbSNP rs74129660, ClinGen allele CA5467040.